The following is an entry in ClinVar:

NM_020062.4(SLC2A4RG):c.972G>T (p.Thr324=)

Gene: SLC2A4RG (SLC2A4 regulator; plus strand). Cytogenetic location: 20q13.33.
Variant type: single nucleotide variant.
Coding change: c.972G>T on transcript NM_020062.4 (MANE Select); coding-DNA position 972, G replaced by T.
Protein change: p.Thr324=; no amino-acid change (threonine 324 retained).
Molecular consequence: synonymous variant.
Genome position (GRCh38, 1-based): chr20:63,742,710, G>T. VCF-style: chr20-63742710-G-T. GRCh37 (hg19) VCF-style: chr20-62374063-G-T.
Identifiers: ClinVar variation 2652560 (VCV002652560.24), dbSNP rs1223467180, ClinGen allele CA511663600.

ClinVar aggregate classification (germline): Likely benign (1 of 4 stars; one submission).

Submission:

CeGaT Center for Human Genetics Tuebingen
Classification: Likely benign. Last evaluated: 2022-09-01. Review status: criteria provided, single submitter. Criteria: CeGaT Center For Human Genetics Tuebingen Variant Classification Criteria Version 2. Collection method: clinical testing. Allele origin: germline. Affected: yes. Observed: 1 variant allele.
Comment: SLC2A4RG: PM2:Supporting, BP4, BP7